The following is an entry in ClinVar:

ClinVar aggregate classification (germline): Pathogenic. Review status: criteria provided, multiple submitters, no conflicts (2 of 4 stars). 2 submissions from 2 submitters: Pathogenic (2). Last evaluated 2024-12-19.

Conditions:
Hereditary cancer-predisposing syndrome. Also called: Neoplastic Syndromes, Hereditary; Tumor predisposition; Hereditary Cancer Syndrome; Hereditary neoplastic syndrome. Identifiers: Orphanet 140162, MedGen C0027672, MeSH D009386, MONDO:0015356.
Hereditary pheochromocytoma and paraganglioma. Also called: Hereditary paragangliomas and pheochromocytomas; Hereditary Paraganglioma-Pheochromocytoma Syndromes; Hereditary pheochromocytoma-paraganglioma. Identifiers: Orphanet 29072, MedGen C4274332, MONDO:0017366.

Submissions (2):

Labcorp Genetics (formerly Invitae), Labcorp
Classification: Pathogenic for Hereditary pheochromocytoma and paraganglioma. Last evaluated: 2024-12-19. Review status: criteria provided, single submitter. Criteria: Invitae Variant Classification Sherloc (09022015). Collection method: clinical testing. Allele origin: germline.
Comment: This sequence change creates a premature translational stop signal (p.Tyr105Leufs*2) in the SDHAF2 gene. It is expected to result in an absent or disrupted protein product. Loss-of-function variants in SDHAF2 are known to be pathogenic (PMID: 22241717, 26096992). This variant is not present in population databases (gnomAD no frequency). This variant has not been reported in the literature in individuals affected with SDHAF2-related conditions. ClinVar contains an entry for this variant (Variation ID: 3227053). Algorithms developed to predict the effect of sequence changes on RNA splicing suggest that this variant may disrupt the consensus splice site. For these reasons, this variant has been classified as Pathogenic.

Ambry Genetics
Classification: Pathogenic for Hereditary cancer-predisposing syndrome. Last evaluated: 2023-12-26. Review status: criteria provided, single submitter. Criteria: Ambry Variant Classification Scheme 2023. Collection method: clinical testing. Allele origin: germline.
Comment: The c.313dupT pathogenic mutation, located in coding exon 3 of the SDHAF2 gene, results from a duplication of T at nucleotide position 313, causing a translational frameshift with a predicted alternate stop codon (p.Y105Lfs*2). This alteration occurs at the 3' terminus of theSDHAF2 gene, is not expected to trigger nonsense-mediated mRNA decay, and impacts the last 62 amino acids of the protein. However, premature stop codons are typically deleterious in nature and a significant portion of the protein is affected (Ambry internal data). Based on the supporting evidence, this alteration is interpreted as a disease-causing mutation.

Literature cited by the submitters: PubMed 22241717 (cited by Labcorp Genetics (formerly Invitae), Labcorp); PubMed 26096992 (cited by Labcorp Genetics (formerly Invitae), Labcorp).

NM_017841.4(SDHAF2):c.313dup (p.Tyr105fs)

Gene: SDHAF2 (succinate dehydrogenase complex assembly factor 2; plus strand). Cytogenetic location: 11q12.2.
Variant type: Duplication.
Coding change: c.313dup on transcript NM_017841.4 (MANE Select); coding-DNA position 313, one base duplicated (T; older notation c.313dupT).
Protein change: p.Tyr105fs; shifts the reading frame from tyrosine 105.
Molecular consequence: frameshift variant.
Genome position (GRCh38, 1-based): chr11:61,438,056, T duplicated. VCF-style (leftmost placement, unchanged base first): chr11-61438055-C-CT. GRCh37 (hg19) VCF-style: chr11-61205527-C-CT.
Other names: c.313dupT (NM_017841.2); short protein forms Y105fs.
Identifiers: ClinVar variation 3227053 (VCV003227053.3), dbSNP rs2540124926, ClinGen allele CA2825002023.